The following is an entry in ClinVar:

NM_020717.5(SHROOM4):c.2362C>T (p.His788Tyr)

Gene: SHROOM4 (shroom family member 4; minus strand). Cytogenetic location: Xp11.22.
Variant type: single nucleotide variant.
Coding change: c.2362C>T on transcript NM_020717.5 (MANE Select); coding-DNA position 2362, C replaced by T.
Protein change: p.His788Tyr; replaces histidine 788 with tyrosine.
Molecular consequence: missense variant. On other transcripts: non-coding transcript variant (4).
Genome position (GRCh38, 1-based): chrX:50,633,711, G>A on the plus strand (C>T on the coding strand, the complement: SHROOM4 is on the minus strand). VCF-style: chrX-50633711-G-A. GRCh37 (hg19) VCF-style: chrX-50376711-G-A.
Other names: short protein forms H788Y.
Identifiers: ClinVar variation 930331 (VCV000930331.3), dbSNP rs1931184202, ClinGen allele CA413115121.
Genomic context (GRCh38, chrX:50,633,711, plus strand): 5'-CTATAGGTTTTGGTCTCTGGGTAAAAGTCTTGTTGCTATGAGTGGTTAAACCTGGCAAAT[G>A]AGATGTAGATAAGGATTTGCTACTCTCTTCAAAGAACTTTCTTCTGTCTGCAAAAGGCAA-3'
Protein context (NP_065768.2, residues 778-798): EESSKSLSTS[His788Tyr]LPGLTTHSNK

ClinVar aggregate classification (germline): Uncertain significance (1 of 4 stars; one submission).

Conditions:
Intellectual developmental disorder, X-linked, syndromic, Stocco dos Santos type. Also called: STOCCO DOS SANTOS X-LINKED MENTAL RETARDATION SYNDROME; Stocco dos Santos syndrome; X-linked intellectual disability, Stocco dos Santos type. Identifiers: Orphanet 85288, MedGen C1845530, MONDO:0010325, OMIM 300434.

Allele frequency attached by ClinVar (database versions not stated): gnomAD exomes below 0.00001.
gnomAD v4.1: 1 of 1,212,051 alleles (0.000083%); highest among the groups gnomAD compares: Non-Finnish European, 0.00011%; no homozygotes.

Submission:

Centre for Mendelian Genomics, University Medical Centre Ljubljana
Classification: Uncertain significance for Intellectual developmental disorder, X-linked, syndromic, Stocco dos Santos type. Last evaluated: 2018-12-14. Review status: criteria provided, single submitter. Criteria: ACMG Guidelines, 2015. Collection method: clinical testing. Allele origin: unknown. Affected: yes.
Comment: This variant was classified as: Uncertain significance. The available evidence on this variant's pathogenicity is insufficient or conflicting. The following ACMG criteria were applied in classifying this variant: PM2,PP3.